The following is an entry in ClinVar:

NM_000318.3(PEX2):c.91C>T (p.Gln31Ter)

Gene: PEX2 (peroxisomal biogenesis factor 2; minus strand). Cytogenetic location: 8q21.13.
Variant type: single nucleotide variant.
Coding change: c.91C>T on transcript NM_000318.3 (MANE Select); coding-DNA position 91, C replaced by T.
Protein change: p.Gln31Ter; replaces glutamine 31 with a stop codon.
Molecular consequence: nonsense.
Genome position (GRCh38, 1-based): chr8:76,984,088, G>A on the plus strand (C>T on the coding strand, the complement: PEX2 is on the minus strand). VCF-style: chr8-76984088-G-A. GRCh37 (hg19) VCF-style: chr8-77896324-G-A.
Other names: c.91C>T (NM_000318.2); c.91C>T, p.Gln31Ter (NM_001079867.2, NM_001172086.2, NM_001172087.2); short protein forms Q31*.
Identifiers: ClinVar variation 1454128 (VCV001454128.8), dbSNP rs149287302, ClinGen allele CA179988285.
Genomic context (GRCh38, chr8:76,984,088, plus strand): 5'-GAGCTAACAGCCCAGGTTTAAATCCATGAAAGCACTGAGTAAACTGGGACCAAACTAGCT[G>A]CTCCAGGGCCTTGTTTAGTTCAAGTGCATCCAACTGGCTTATTCTTAGCACTCTGTTTGC-3'

ClinVar aggregate classification (germline): Pathogenic/Likely pathogenic. Review status: criteria provided, multiple submitters, no conflicts (2 of 4 stars). 3 submissions from 3 submitters: Pathogenic (1); Likely pathogenic (2). Last evaluated 2025-08-27.

Conditions:
Zellweger spectrum disorders (ZS). Also called: Zellweger Spectrum Disorder (ZSD); Zellweger Spectrum Disorder; Zellweger Spectrum; Zellweger syndrome. Identifiers: Orphanet 912, MedGen C0043459, MONDO:0019609.
PEX2-related disorder. Also called: PEX2-related condition.
Peroxisome biogenesis disorder 5A (Zellweger) (PBD5A). Identifiers: Orphanet 912, MedGen C3553940, MONDO:0013932, OMIM 614866.

Submissions (3):

Labcorp Genetics (formerly Invitae), Labcorp
Classification: Pathogenic for Peroxisome biogenesis disorder 5A (Zellweger). Last evaluated: 2025-08-27. Review status: criteria provided, single submitter. Criteria: Invitae Variant Classification Sherloc (09022015). Collection method: clinical testing. Allele origin: germline.
Comment: This sequence change creates a premature translational stop signal (p.Gln31*) in the PEX2 gene. While this is not anticipated to result in nonsense mediated decay, it is expected to disrupt the last 275 amino acid(s) of the PEX2 protein. This variant is present in population databases (no rsID available, gnomAD 0.003%). This variant has not been reported in the literature in individuals affected with PEX2-related conditions. ClinVar contains an entry for this variant (Variation ID: 1454128). This variant disrupts a region of the PEX2 protein in which other variant(s) (p.Lys215Serfs*2) have been determined to be pathogenic (PMID: 10652207; internal data). This suggests that this is a clinically significant region of the protein, and that variants that disrupt it are likely to be disease-causing. For these reasons, this variant has been classified as Pathogenic.

Natera, Inc.
Classification: Likely pathogenic for Zellweger syndrome. Last evaluated: 2025-06-08. Review status: criteria provided, single submitter. Criteria: Natera Variant Classification Schema (03/2026). Collection method: clinical testing. Allele origin: germline.
Comment: The c.91C>T variant in PEX2 is a nonsense variant predicted to introduce a stop codon at amino acid 31. This variant is expected to result in nonsense mediated decay, truncation, or a dysfunctional protein product. This variant is rare in the general population with a frequency below the threshold expected for the associated phenotype(s). Given the available evidence, this variant is classified as Likely Pathogenic.

Blueprint Genetics
Classification: Likely pathogenic for PEX2-related disorders. Last evaluated: 2021-09-24. Review status: criteria provided, single submitter. Criteria: ACMG Guidelines, 2015. Collection method: clinical testing. Allele origin: germline. Affected: yes. Observed: 1 variant allele.

Literature cited by the submitters: PubMed 10652207 (cited by Labcorp Genetics (formerly Invitae), Labcorp).